The following is an entry in ClinVar:

ClinVar aggregate classification (somatic clinical impact): Tier II - Potential (1 of 4 stars; one submission).

Conditions:
Synovial sarcoma. Identifiers: Orphanet 3273, MedGen C0039101, MONDO:0010434, OMIM 300813, HP:0012570.

Submission:

Institute for Genomic Medicine (IGM) Clinical Laboratory, Nationwide Children's Hospital
Classification: Tier II - Potential for Synovial sarcoma. Assertion type: diagnostic. Clinical significance: supports diagnosis. Last evaluated: 2025-10-11. Review status: criteria provided, single submitter. Criteria: AMP/ASCO/CAP Guidelines, 2017. Collection method: clinical testing. Allele origin: somatic. Affected: yes.
Comment: Variant has Tier II (potential) clinical significance as a diagnostic inclusion criterion in synovial sarcoma, based on the following evidence: 1) Information in the literature supports potential biologic effect of variant (PMID: 26271467). 2) Assists in diagnosis alone or along with other biomarkers based on small studies or few case reports (Evidence Level D; PMIDs: 21447370, 25262539).

Literature cited by the submitters: PubMed 26271467; PubMed 21447370; PubMed 25262539.

NM_001122630.2(CDKN1C):c.140del (p.Gln47fs)

Gene: CDKN1C (cyclin dependent kinase inhibitor 1C; minus strand). Cytogenetic location: 11p15.4.
Variant type: Deletion.
Coding change: c.140del on transcript NM_001122630.2 (MANE Select); coding-DNA position 140, one base deleted (A; older notation c.140delA).
Protein change: p.Gln47fs; shifts the reading frame from glutamine 47.
Molecular consequence: frameshift variant.
Genome position (GRCh38, 1-based): chr11:2,885,317, T deleted on the plus strand (A on the coding strand, the reverse complement: CDKN1C is on the minus strand). VCF-style (leftmost placement, unchanged base first): chr11-2885316-CT-C. GRCh37 (hg19) VCF-style: chr11-2906546-CT-C.
Other names: c.173del, p.Gln58fs (NM_000076.2, NM_001362474.2); c.140del, p.Gln47fs (NM_001122631.2, NM_001362475.2); short protein forms Q47fs, Q58fs.
Identifiers: ClinVar variation 4530101 (VCV004530101.1).